The following is an entry in ClinVar:

ClinVar aggregate classification (germline): Uncertain significance. Review status: criteria provided, multiple submitters, no conflicts (2 of 4 stars). 2 submissions from 2 submitters: Uncertain significance (2). Last evaluated 2025-11-26.

Conditions:
Inborn genetic diseases. Identifiers: MedGen C0950123, MeSH D030342.

Allele frequency attached by ClinVar (database versions not stated): gnomAD exomes below 0.00001 and 0.00001; gnomAD 0.00001 and 0.00002; TOPMed 0.00002.
gnomAD v4.1: 7 of 1,613,882 alleles (0.00043%); highest among the groups gnomAD compares: African/African-American, 0.0053%; no homozygotes.

Submissions (2):

Ambry Genetics
Classification: Uncertain significance for Inborn genetic diseases. Last evaluated: 2025-11-26. Review status: criteria provided, single submitter. Criteria: Ambry Variant Classification Scheme 2023. Collection method: clinical testing. Allele origin: germline.

Labcorp Genetics (formerly Invitae), Labcorp
Classification: Uncertain significance. Last evaluated: 2024-04-16. Review status: criteria provided, single submitter. Criteria: Invitae Variant Classification Sherloc (09022015). Collection method: clinical testing. Allele origin: germline.
Comment: This sequence change replaces glycine, which is neutral and non-polar, with serine, which is neutral and polar, at codon 2728 of the VCAN protein (p.Gly2728Ser). The frequency data for this variant in the population databases is considered unreliable, as metrics indicate poor data quality at this position in the gnomAD database. This variant has not been reported in the literature in individuals affected with VCAN-related conditions. ClinVar contains an entry for this variant (Variation ID: 1349547). Algorithms developed to predict the effect of missense changes on protein structure and function output the following: SIFT: "Not Available"; PolyPhen-2: "Benign"; Align-GVGD: "Not Available". The serine amino acid residue is found in multiple mammalian species, which suggests that this missense change does not adversely affect protein function. In summary, the available evidence is currently insufficient to determine the role of this variant in disease. Therefore, it has been classified as a Variant of Uncertain Significance.

NM_004385.5(VCAN):c.8182G>A (p.Gly2728Ser)

Genes: VCAN (versican; plus strand), VCAN-AS1 (VCAN antisense RNA 1; minus strand). Cytogenetic location: 5q14.3.
Variant type: single nucleotide variant.
Coding change: c.8182G>A on transcript NM_004385.5 (MANE Select); coding-DNA position 8182, G replaced by A.
Protein change: p.Gly2728Ser; replaces glycine 2728 with serine.
Molecular consequence: missense variant. On other transcripts: intron variant (2).
Genome position (GRCh38, 1-based): chr5:83,541,185, G>A. VCF-style: chr5-83541185-G-A. GRCh37 (hg19) VCF-style: chr5-82837004-G-A.
Other names: c.8182G>A (NM_004385.4); c.5221G>A, p.Gly1741Ser (NM_001164097.2); c.4004-4352G>A (NM_001164098.2); c.1043-4352G>A (NM_001126336.3); short protein forms G1741S, G2728S.
Identifiers: ClinVar variation 1349547 (VCV001349547.9), dbSNP rs922688855, ClinGen allele CA121811684.
Genomic context (GRCh38, chr5:83,541,185, plus strand): 5'-GGAATAAAAGCTGAAGCAAAAGCCCTGGATGACATGTTTGAATCAAGCACTTTGTCTGAT[G>A]GTCAAGCTATTGCAGACCAAAGTGAAATAATACCAACATTGGGCCAATTTGAAAGGACTC-3'
Protein context (NP_004376.2, residues 2718-2738): DMFESSTLSD[Gly2728Ser]QAIADQSEII